The following is an entry in ClinVar:

ClinVar aggregate classification (germline): Conflicting classifications of pathogenicity. Review status: criteria provided, conflicting classifications (1 of 4 stars). 2 submissions from 2 submitters: Likely pathogenic (1); Uncertain significance (1). Last evaluated 2023-05-04.

Conditions:
Intellectual developmental disorder, X-linked 93. Also called: Intellectual disability, X-linked 93; MENTAL RETARDATION, X-LINKED, WITH MACROCEPHALY. Identifiers: MedGen C1970841, MONDO:0010393, OMIM 300659.

Allele frequency attached by ClinVar (database versions not stated): gnomAD exomes below 0.00001 and 0.00001.
gnomAD v4.1: 2 of 1,208,880 alleles (0.00017%); highest among the groups gnomAD compares: Non-Finnish European, 0.00022%; no homozygotes.

Submissions (2):

Women's Health and Genetics/Laboratory Corporation of America, LabCorp
Classification: Uncertain significance. Last evaluated: 2023-05-04. Review status: criteria provided, single submitter. Criteria: LabCorp Variant Classification Summary - May 2015. Collection method: clinical testing. Allele origin: germline.
Comment: Variant summary: BRWD3 c.4255T>G (p.Leu1419Val) results in a conservative amino acid change located in the Bromodomain (IPR001487) of the encoded protein sequence. Three of five in-silico tools predict a damaging effect of the variant on protein function. The variant allele was found at a frequency of 5.5e-06 in 182322 control chromosomes (gnomAD). The available data on variant occurrences in the general population are insufficient to allow any conclusion about variant significance. c.4255T>G has been reported in the literature in at least one hemizygous individual affected with Intellectual Disability with Macrocephaly, X-Linked 93 (Lee_2014). These data do not allow any conclusion about variant significance. To our knowledge, no experimental evidence demonstrating an impact on protein function has been reported. The following publication has been ascertained in the context of this evaluation (PMID: 25326637). No clinical diagnostic laboratories have submitted clinical-significance assessments for this variant to ClinVar after 2014. Based on the evidence outlined above, the variant was classified as uncertain significance.

UCLA Clinical Genomics Center, UCLA
Classification: Likely pathogenic for Mental retardation, X-linked 93. Last evaluated: 2014-08-26. Review status: criteria provided, single submitter. Criteria: Lee et al. (JAMA. 2014). Collection method: clinical testing. Allele origin: germline. Inheritance: X-linked inheritance. Affected: yes. Study: CES.

Literature cited by the submitters: PubMed 25326637 (cited by Women's Health and Genetics/Laboratory Corporation of America, LabCorp).

NM_153252.5(BRWD3):c.4255T>G (p.Leu1419Val)

Gene: BRWD3 (bromodomain and WD repeat domain containing 3; minus strand). Cytogenetic location: Xq21.1.
Variant type: single nucleotide variant.
Coding change: c.4255T>G on transcript NM_153252.5 (MANE Select); coding-DNA position 4255, T replaced by G.
Protein change: p.Leu1419Val; replaces leucine 1419 with valine.
Molecular consequence: missense variant.
Genome position (GRCh38, 1-based): chrX:80,682,607, A>C on the plus strand (T>G on the coding strand, the complement: BRWD3 is on the minus strand). VCF-style: chrX-80682607-A-C. GRCh37 (hg19) VCF-style: chrX-79938106-A-C.
Other names: short protein forms L1419V.
Identifiers: ClinVar variation 216895 (VCV000216895.3), dbSNP rs863224851, ClinGen allele CA279023.